The following is an entry in ClinVar:

ClinVar aggregate classification (germline): Conflicting classifications of pathogenicity. Review status: criteria provided, conflicting classifications (1 of 4 stars). 13 submissions from 11 submitters: Uncertain significance (6); Benign (1); Likely benign (2). 4 of the submissions do not count toward it. Last evaluated 2025-06-09.

Conditions:
Acute febrile neutrophilic dermatosis (AFND). Also called: Sweet Syndrome; Gomm Button disease. Identifiers: Orphanet 3243, MedGen C0085077, MONDO:0011959, OMIM 608068.
Familial Mediterranean fever (FMF). Also called: POLYSEROSITIS, FAMILIAL PAROXYSMAL; POLYSEROSITIS, RECURRENT; Periodic peritonitis; Benign paroxysmal peritonitis. Identifiers: Orphanet 342, MedGen C0031069, MONDO:0018088, OMIM 249100. Disease mechanism: gain of function.
Familial Mediterranean fever, autosomal dominant. Also called: Dominant Familial Mediterranean Fever; FMF, AUTOSOMAL DOMINANT. Identifiers: Orphanet 342, MedGen C1851347, MONDO:0007601, OMIM 134610.

Allele frequency attached by ClinVar (database versions not stated): gnomAD 0.00003; TOPMed 0.00003; ESP Exome Variant Server 0.00008.

Submissions (13):

Women's Health and Genetics/Laboratory Corporation of America, LabCorp
Classification: Uncertain significance. Last evaluated: 2025-06-09. Review status: criteria provided, single submitter. Criteria: LabCorp Variant Classification Summary - May 2015. Collection method: clinical testing. Allele origin: germline.
Comment: Variant summary: MEFV c.2164G>A (p.Val722Met) results in a conservative amino acid change located in the B30.2/SPRY domain (IPR001870) of the encoded protein sequence. Algorithms developed to predict the effect of missense changes on protein structure and function all suggest that this variant is likely to be tolerated. The variant allele was found at a frequency of 1.2e-05 in 251484 control chromosomes. The available data on variant occurrences in the general population are insufficient to allow any conclusion about variant significance. c.2164G>A has been reported in the literature in individuals affected with Behcet's disease (Ayesh_2008, Kirino_2013) and Familial Mediterranean Fever (Berdeli_2011, Oztuzcu_2014, Erken_2015), however it was also observed in controls (Kirino_2013). These data do not allow any conclusion about variant significance. To our knowledge, no experimental evidence demonstrating an impact on protein function has been reported. The variant has been reported by the International Study Group for Systemic Autoinflammatory Diseases (INSAID) with an experts consensus as "VUS" (Van Gijn_2018). The following publications have been ascertained in the context of this evaluation (PMID: 31411330, 18609258, 21413889, 26574972, 23633568, 24469716, 29599418, 38775516). ClinVar contains an entry for this variant (Variation ID: 97500). Based on the evidence outlined above, the variant was classified as uncertain significance.

Fulgent Genetics
Classification: Uncertain significance for Familial Mediterranean fever, autosomal dominant; Familial Mediterranean fever; Acute febrile neutrophilic dermatosis. Last evaluated: 2024-01-26. Review status: criteria provided, single submitter. Criteria: ACMG Guidelines, 2015. Collection method: clinical testing. Allele origin: germline.

Genome-Nilou Lab
Classification: Likely benign for Familial Mediterranean fever. Last evaluated: 2023-02-08. Review status: criteria provided, single submitter. Criteria: ACMG Guidelines, 2015. Collection method: clinical testing. Allele origin: germline.

Genome-Nilou Lab
Classification: Likely benign for Familial Mediterranean fever, autosomal dominant. Last evaluated: 2023-02-08. Review status: criteria provided, single submitter. Criteria: ACMG Guidelines, 2015. Collection method: clinical testing. Allele origin: germline.

Genome-Nilou Lab
Classification: Benign for Acute febrile neutrophilic dermatosis. Last evaluated: 2023-02-08. Review status: criteria provided, single submitter. Criteria: ACMG Guidelines, 2015. Collection method: clinical testing. Allele origin: germline.

Labcorp Genetics (formerly Invitae), Labcorp
Classification: Uncertain significance for Familial Mediterranean fever. Last evaluated: 2022-08-09. Review status: criteria provided, single submitter. Criteria: Invitae Variant Classification Sherloc (09022015). Collection method: clinical testing. Allele origin: germline.
Comment: This sequence change replaces valine, which is neutral and non-polar, with methionine, which is neutral and non-polar, at codon 722 of the MEFV protein (p.Val722Met). This variant is present in population databases (rs104895201, gnomAD 0.002%). This missense change has been observed in individual(s) with Behcet's disease and/or familial Mediterranean fever (PMID: 18609258, 21413889, 23633568, 24469716, 26574972, 31989427). ClinVar contains an entry for this variant (Variation ID: 97500). Algorithms developed to predict the effect of missense changes on protein structure and function (SIFT, PolyPhen-2, Align-GVGD) all suggest that this variant is likely to be tolerated. In summary, the available evidence is currently insufficient to determine the role of this variant in disease. Therefore, it has been classified as a Variant of Uncertain Significance.

Mendelics
Classification: Uncertain significance for Familial Mediterranean fever. Last evaluated: 2019-05-28. Review status: criteria provided, single submitter. Criteria: Mendelics Assertion Criteria 2017. Collection method: clinical testing. Allele origin: unknown.

Illumina Laboratory Services, Illumina
Classification: Uncertain significance for Familial Mediterranean fever. Last evaluated: 2017-04-27. Review status: criteria provided, single submitter. Criteria: ICSL Variant Classification Criteria 13 December 2019. Collection method: clinical testing. Allele origin: germline.
Comment: This variant was observed as part of a predisposition screen in an ostensibly healthy population. A literature search was performed for the gene, cDNA change, and amino acid change (where applicable). Publications were found based on this search. However, the evidence from the literature, in combination with allele frequency data from public databases where available, was not sufficient to rule this variant in or out of causing disease. Therefore, this variant is classified as a variant of unknown significance.

Juno Genomics, Hangzhou Juno Genomics, Inc
Classification: Uncertain significance for Familial Mediterranean fever, autosomal dominant; Familial Mediterranean fever; Acute febrile neutrophilic dermatosis. Review status: criteria provided, single submitter. Criteria: ACMG Guidelines, 2015. Collection method: clinical testing. Allele origin: germline.
Comment: Absent from controls (or at extremely low frequency if recessive) in Genome Aggregation Database.;For recessive disorders, detected in trans with a pathogenic variant.

Natera, Inc.
Classification: Uncertain significance for Familial Mediterranean fever. Last evaluated: 2020-09-16. Review status: no assertion criteria provided. Collection method: clinical testing. Allele origin: germline. Not counted in ClinVar's aggregate classification.

Clinical Genetics DNA and cytogenetics Diagnostics Lab, Erasmus MC, Erasmus Medical Center
Classification: Uncertain significance. Review status: no assertion criteria provided. Collection method: clinical testing. Allele origin: germline. Affected: yes. Study: VKGL Data-share Consensus. Not counted in ClinVar's aggregate classification.

Genome Diagnostics Laboratory, University Medical Center Utrecht
Classification: Uncertain significance. Review status: no assertion criteria provided. Collection method: clinical testing. Allele origin: germline. Affected: yes. Study: VKGL Data-share Consensus. Not counted in ClinVar's aggregate classification.

Unité médicale des maladies autoinflammatoires, CHRU Montpellier
No classification provided. Condition: Familial Mediterranean fever. Review status: no classification provided. Collection method: not provided. Allele origin: unknown. Not counted in ClinVar's aggregate classification.

Literature cited by the submitters: PubMed 21413889 (cited by Women's Health and Genetics/Laboratory Corporation of America, LabCorp and Labcorp Genetics (formerly Invitae), Labcorp); PubMed 24469716 (cited by Women's Health and Genetics/Laboratory Corporation of America, LabCorp and Labcorp Genetics (formerly Invitae), Labcorp); PubMed 23633568 (cited by Women's Health and Genetics/Laboratory Corporation of America, LabCorp and Labcorp Genetics (formerly Invitae), Labcorp); PubMed 29599418 (cited by Women's Health and Genetics/Laboratory Corporation of America, LabCorp); PubMed 31411330 (cited by Women's Health and Genetics/Laboratory Corporation of America, LabCorp); PubMed 18609258 (cited by 3 submitters); PubMed 26574972 (cited by Women's Health and Genetics/Laboratory Corporation of America, LabCorp and Labcorp Genetics (formerly Invitae), Labcorp); PubMed 38775516 (cited by Women's Health and Genetics/Laboratory Corporation of America, LabCorp); PubMed 31989427 (cited by Labcorp Genetics (formerly Invitae), Labcorp); PubMed 24301775 (cited by Illumina Laboratory Services, Illumina); PubMed 25036384 (cited by Illumina Laboratory Services, Illumina).

NM_000243.3(MEFV):c.2164G>A (p.Val722Met)

Genes: MEFV (MEFV innate immunity regulator, pyrin; minus strand), LOC126862264 (CDK7 strongly-dependent group 2 enhancer GRCh37_chr16:3293322-3294521; plus strand). Cytogenetic location: 16p13.3.
Variant type: single nucleotide variant.
Coding change: c.2164G>A on transcript NM_000243.3 (MANE Select); coding-DNA position 2164, G replaced by A.
Protein change: p.Val722Met; replaces valine 722 with methionine.
Molecular consequence: missense variant. On other transcripts: 3 prime UTR variant (1).
Genome position (GRCh38, 1-based): chr16:3,243,323, C>T on the plus strand (G>A on the coding strand, the complement: MEFV is on the minus strand). VCF-style: chr16-3243323-C-T. GRCh37 (hg19) VCF-style: chr16-3293323-C-T.
Other names: c.*368G>A (NM_001198536.2); short protein forms V722M.
Identifiers: ClinVar variation 97500 (VCV000097500.18), dbSNP rs104895201, ClinGen allele CA280541.